The following is an entry in ClinVar:

ClinVar aggregate classification (germline): Uncertain significance (1 of 4 stars; one submission).

Conditions:
Combined immunodeficiency due to DOCK8 deficiency (HIES2). Also called: HYPER-IgE RECURRENT INFECTION SYNDROME 2, AUTOSOMAL RECESSIVE; HYPER-IgE SYNDROME 2, AUTOSOMAL RECESSIVE, WITH RECURRENT INFECTIONS; HIES autosomal recessive; Hyper-IgE recurrent infection syndrome, autosomal recessive; DOCK8 Deficiency. Identifiers: Orphanet 217390, MedGen C4722305, MONDO:0009478, OMIM 243700.

gnomAD v4.1: 8 of 1,614,120 alleles (0.0005%); highest among the groups gnomAD compares: African/African-American, 0.0013%; no homozygotes.

Submission:

Labcorp Genetics (formerly Invitae), Labcorp
Classification: Uncertain significance for Combined immunodeficiency due to DOCK8 deficiency. Last evaluated: 2024-09-28. Review status: criteria provided, single submitter. Criteria: Invitae Variant Classification Sherloc (09022015). Collection method: clinical testing. Allele origin: germline.
Comment: This sequence change replaces threonine, which is neutral and polar, with alanine, which is neutral and non-polar, at codon 514 of the DOCK8 protein (p.Thr514Ala). This variant is present in population databases (no rsID available, gnomAD 0.007%). This variant has not been reported in the literature in individuals affected with DOCK8-related conditions. Invitae Evidence Modeling of protein sequence and biophysical properties (such as structural, functional, and spatial information, amino acid conservation, physicochemical variation, residue mobility, and thermodynamic stability) indicates that this missense variant is not expected to disrupt DOCK8 protein function with a negative predictive value of 80%. In summary, the available evidence is currently insufficient to determine the role of this variant in disease. Therefore, it has been classified as a Variant of Uncertain Significance.

NM_203447.4(DOCK8):c.1540A>G (p.Thr514Ala)

Gene: DOCK8 (dedicator of cytokinesis 8; plus strand). Cytogenetic location: 9p24.3.
Variant type: single nucleotide variant.
Coding change: c.1540A>G on transcript NM_203447.4 (MANE Select); coding-DNA position 1540, A replaced by G.
Protein change: p.Thr514Ala; replaces threonine 514 with alanine.
Molecular consequence: missense variant.
Genome position (GRCh38, 1-based): chr9:340,182, A>G. VCF-style: chr9-340182-A-G. GRCh37 (hg19) VCF-style: chr9-340182-A-G.
Other names: c.1336A>G, p.Thr446Ala (NM_001190458.2, NM_001193536.2); short protein forms T514A, T446A.
Identifiers: ClinVar variation 3696439 (VCV003696439.2).
Genomic context (GRCh38, chr9:340,182, plus strand): 5'-GTTTCTTTACTAGAACATTCCTATTTTCTCTCTTTAGGCTTGCTAAGACTGGAGATTTCT[A>G]CAGCTCCAGAGATCATCAATTGCTGTCTGACTCCTGAAATGCTGCCCGTGAAACCCTTTC-3'
Protein context (NP_982272.2, residues 504-524): IPGLLRLEIS[Thr514Ala]APEIINCCLT